The following is an entry in ClinVar:

NM_182961.4(SYNE1):c.1774G>A (p.Ala592Thr)

Gene: SYNE1 (spectrin repeat containing nuclear envelope protein 1; minus strand). Cytogenetic location: 6q25.2.
Variant type: single nucleotide variant.
Coding change: c.1774G>A on transcript NM_182961.4 (MANE Select); coding-DNA position 1774, G replaced by A.
Protein change: p.Ala592Thr; replaces alanine 592 with threonine.
Molecular consequence: missense variant.
Genome position (GRCh38, 1-based): chr6:152,465,416, C>T on the plus strand (G>A on the coding strand, the complement: SYNE1 is on the minus strand). VCF-style: chr6-152465416-C-T. GRCh37 (hg19) VCF-style: chr6-152786551-C-T.
Other names: c.1795G>A (NM_033071.3); c.1795G>A, p.Ala599Thr (NM_033071.5); short protein forms A599T, A592T.
Identifiers: ClinVar variation 1364295 (VCV001364295.30), dbSNP rs747150703, ClinGen allele CA4059300.
Genomic context (GRCh38, chr6:152,465,416, plus strand): 5'-TCACTTCTTCCAGCATGCTCCTCACACTCCTCACTTCTACTGAGAGATTCCTCCACTGAG[C>T]GGTGGTTTCATTCATGAATTTCATCACATTCTCAGCTTCTTCCACTGAAACAGATAAAAC-3'
Protein context (NP_892006.3, residues 582-602): NVMKFMNETT[Ala592Thr]QWRNLSVEVR

ClinVar aggregate classification (germline): Uncertain significance. Review status: criteria provided, multiple submitters, no conflicts (2 of 4 stars). 3 submissions from 3 submitters: Uncertain significance (3). Last evaluated 2025-06-20.

Conditions:
Emery-Dreifuss muscular dystrophy 4, autosomal dominant (EDMD4). Also called: EMERY-DREIFUSS MUSCULAR DYSTROPHY 4 WITH VARIABLE FEATURES. Identifiers: Orphanet 261, MedGen C2751807, MONDO:0013071, OMIM 612998.
Autosomal recessive ataxia, Beauce type. Also called: SYNE1-Related Autosomal Recessive Cerebellar Ataxia; ATAXIA, RECESSIVE, OF BEAUCE; SYNE1 Deficiency; Spinocerebellar ataxia, autosomal recessive 8. Identifiers: Orphanet 88644, MedGen C1853116, MONDO:0012549, OMIM 610743.

gnomAD v4.1: 18 of 1,613,508 alleles (0.0011%); highest among the groups gnomAD compares: East Asian, 0.0045%; no homozygotes.

Submissions (3):

Labcorp Genetics (formerly Invitae), Labcorp
Classification: Uncertain significance for Emery-Dreifuss muscular dystrophy 4, autosomal dominant; Autosomal recessive ataxia, Beauce type. Last evaluated: 2025-06-20. Review status: criteria provided, single submitter. Criteria: Invitae Variant Classification Sherloc (09022015). Collection method: clinical testing. Allele origin: germline.
Comment: This sequence change replaces alanine, which is neutral and non-polar, with threonine, which is neutral and polar, at codon 599 of the SYNE1 protein (p.Ala599Thr). This variant is present in population databases (rs747150703, gnomAD 0.006%). This variant has not been reported in the literature in individuals affected with SYNE1-related conditions. ClinVar contains an entry for this variant (Variation ID: 1364295). An algorithm developed to predict the effect of missense changes on protein structure and function (PolyPhen-2) suggests that this variant is likely to be tolerated. In summary, the available evidence is currently insufficient to determine the role of this variant in disease. Therefore, it has been classified as a Variant of Uncertain Significance.

Revvity Omics, Revvity
Classification: Uncertain significance. Last evaluated: 2024-03-14. Review status: criteria provided, single submitter. Criteria: ACMG Guidelines, 2015. Collection method: clinical testing. Allele origin: germline.

CeGaT Center for Human Genetics Tuebingen
Classification: Uncertain significance. Last evaluated: 2022-08-01. Review status: criteria provided, single submitter. Criteria: CeGaT Center For Human Genetics Tuebingen Variant Classification Criteria Version 2. Collection method: clinical testing. Allele origin: germline. Affected: yes. Observed: 1 variant allele.
Comment: SYNE1: PM2